The following is an entry in ClinVar:

NM_003743.5(NCOA1):c.2940A>G (p.Pro980=)

Gene: NCOA1 (nuclear receptor coactivator 1; plus strand). Cytogenetic location: 2p23.3.
Variant type: single nucleotide variant.
Coding change: c.2940A>G on transcript NM_003743.5 (MANE Select); coding-DNA position 2940, A replaced by G.
Protein change: p.Pro980=; no amino-acid change (proline 980 retained).
Molecular consequence: synonymous variant.
Genome position (GRCh38, 1-based): chr2:24,729,554, A>G. VCF-style: chr2-24729554-A-G. GRCh37 (hg19) VCF-style: chr2-24952423-A-G.
Other names: c.2940A>G, p.Pro980= (NM_001362950.1, NM_001362952.1, NM_001362954.1 and 3 more transcripts).
Identifiers: ClinVar variation 3032572 (VCV003032572.2), dbSNP rs762294972, ClinGen allele CA1552537.

ClinVar aggregate classification (germline): Likely benign (0 of 4 stars; one submission).

Conditions:
NCOA1-related disorder. Also called: NCOA1-related condition.

Allele frequency attached by ClinVar (database versions not stated): ExAC 0.00001; gnomAD 0.00003; gnomAD exomes 0.00004; TOPMed 0.00004.
gnomAD v4.1: 58 of 1,614,044 alleles (0.0036%); highest among the groups gnomAD compares: Non-Finnish European, 0.0047%; no homozygotes.

Submission:

PreventionGenetics, part of Exact Sciences
Classification: Likely benign for NCOA1-related condition. Last evaluated: 2022-03-30. Review status: no assertion criteria provided. Collection method: clinical testing. Allele origin: germline.
Comment: This variant is classified as likely benign based on ACMG/AMP sequence variant interpretation guidelines (Richards et al. 2015 PMID: 25741868, with internal and published modifications).